The following is an entry in ClinVar:

NM_006343.3(MERTK):c.658G>A (p.Ala220Thr)

Gene: MERTK (MER proto-oncogene, tyrosine kinase; plus strand). Cytogenetic location: 2q13.
Variant type: single nucleotide variant.
Coding change: c.658G>A on transcript NM_006343.3 (MANE Select); coding-DNA position 658, G replaced by A.
Protein change: p.Ala220Thr; replaces alanine 220 with threonine.
Molecular consequence: missense variant.
Genome position (GRCh38, 1-based): chr2:111,947,468, G>A. VCF-style: chr2-111947468-G-A. GRCh37 (hg19) VCF-style: chr2-112705045-G-A.
Other names: short protein forms A220T.
Identifiers: ClinVar variation 1993406 (VCV001993406.4), dbSNP rs1684980525, ClinGen allele CA348229114.

ClinVar aggregate classification (germline): Uncertain significance (1 of 4 stars; one submission).

Submission:

Labcorp Genetics (formerly Invitae), Labcorp
Classification: Uncertain significance. Last evaluated: 2023-07-10. Review status: criteria provided, single submitter. Criteria: Invitae Variant Classification Sherloc (09022015). Collection method: clinical testing. Allele origin: germline.
Comment: This missense change has been observed in individual(s) with clinical features of retinitis pigmentosa (Invitae). This variant is not present in population databases (gnomAD no frequency). This sequence change replaces alanine, which is neutral and non-polar, with threonine, which is neutral and polar, at codon 220 of the MERTK protein (p.Ala220Thr). ClinVar contains an entry for this variant (Variation ID: 1993406). In summary, the available evidence is currently insufficient to determine the role of this variant in disease. Therefore, it has been classified as a Variant of Uncertain Significance. Advanced modeling of protein sequence and biophysical properties (such as structural, functional, and spatial information, amino acid conservation, physicochemical variation, residue mobility, and thermodynamic stability) performed at Invitae indicates that this missense variant is expected to disrupt MERTK protein function.